The following is an entry in ClinVar:

NM_000156.6(GAMT):c.58dup (p.Trp20fs)

Genes: GAMT (guanidinoacetate N-methyltransferase; minus strand), LOC130062945 (ATAC-STARR-seq lymphoblastoid silent region 9707; plus strand). Cytogenetic location: 19p13.3.
Variant type: Duplication.
Coding change: c.58dup on transcript NM_000156.6 (MANE Select); coding-DNA position 58, one base duplicated (T; older notation c.58dupT).
Protein change: p.Trp20fs; shifts the reading frame from tryptophan 20.
Molecular consequence: frameshift variant.
Genome position (GRCh38, 1-based): chr19:1,401,419, A duplicated on the plus strand (T on the coding strand, the reverse complement: GAMT is on the minus strand). VCF-style (leftmost placement, unchanged base first): chr19-1401418-C-CA. GRCh37 (hg19) VCF-style: chr19-1401417-C-CA.
Other names: NM_138924.3:c.58dup; c.58dupT (NM_000156.6); c.58dup, p.Trp20fs (NM_138924.3); short protein forms W20fs.
Identifiers: ClinVar variation 2570637 (VCV002570637.5), dbSNP rs2512229150, ClinGen allele CA504731701.

ClinVar aggregate classification (germline): Pathogenic. Review status: reviewed by expert panel (3 of 4 stars). 3 submissions from 3 submitters: Pathogenic (1). 2 of the submissions do not count toward it. Last evaluated 2023-05-25.

Conditions:
Deficiency of guanidinoacetate methyltransferase (CCDS2). Also called: Guanidinoacetate Methyltransferase (GAMT) Deficiency; GAMT DEFICIENCY; CEREBRAL CREATINE DEFICIENCY SYNDROME 2. Identifiers: Orphanet 382, MedGen C0574080, MONDO:0012999, OMIM 612736.

Allele frequency attached by ClinVar (database versions not stated): gnomAD exomes below 0.00001.

Submissions (3):

ClinGen Cerebral Creatine Deficiency Syndromes Variant Curation Expert Panel, ClinGen
Classification: Pathogenic for Deficiency of guanidinoacetate methyltransferase. Last evaluated: 2023-05-25. Review status: reviewed by expert panel. Criteria: ClinGen_CCDS_ACMG_Specifications_GAMT_v1.1. Collection method: curation. Allele origin: germline. Inheritance: Autosomal recessive inheritance.
Comment: The NM_000156.6:c.58dup (p.Trp20LeufsTer65) variant in GAMT is a frameshift variant predicted to cause a premature stop codon in biologically relevant exon 2/6 leading to nonsense mediated decay in a gene in which loss-of-function is an established disease mechanism (PVS1). This variant has been detected in one individual with GAMT deficiency, who was compound heterozygous for the variant and a pathogenic variant, with the phase confirmed in trans by family testing (PMID: 24766785). This individual had elevated urine GAA, deficient GAMT activity in fibroblasts and reduced creatine peak on brain MRS (PMID: 24766785) (PP4_Strong). This variant is not present in gnomAD v2.1.1 but the coverage is <20X and therefore PM2_Supporting is not met. There is no ClinVar entry for this variant. In summary, this variant meets the criteria to be classified as pathogenic for GAMT deficiency based on the ACMG/AMP criteria applied, as specified by the ClinGen Cerebral Creatine Deficiency Syndromes Variant Curation Expert Panel (Specifications Version 1.1.0): PVS1, PM3, PP4_Strong. (Classification approved by the ClinGen Cerebral Creatine Deficiency Syndromes Variant Curation Expert Panel on May 25, 2023)

Women's Health and Genetics/Laboratory Corporation of America, LabCorp
Classification: Pathogenic for Deficiency of guanidinoacetate methyltransferase. Last evaluated: 2025-01-07. Review status: criteria provided, single submitter. Criteria: LabCorp Variant Classification Summary - May 2015. Collection method: clinical testing. Allele origin: germline. Not counted in ClinVar's aggregate classification.
Comment: Variant summary: GAMT c.58dupT (p.Trp20LeufsX65) results in a premature termination codon, predicted to cause absence of the protein due to nonsense mediated decay, which is a commonly known mechanism for disease. The variant was absent in 74462 control chromosomes (gnomAD). c.58dupT has been reported in the literature in an individual affected with Guanidinoactetate Methyltransferase Deficiency (Mercimek-Mahmutoglu_2014). The following publication has been ascertained in the context of this evaluation (PMID: 24766785). ClinVar contains an entry for this variant (Variation ID: 2570637). Based on the evidence outlined above, the variant was classified as pathogenic.

Baylor Genetics
Classification: Pathogenic for Deficiency of guanidinoacetate methyltransferase. Last evaluated: 2024-02-15. Review status: criteria provided, single submitter. Criteria: ACMG Guidelines, 2015. Collection method: clinical testing. Allele origin: unknown. Not counted in ClinVar's aggregate classification.

Literature cited by the submitters: PubMed 24766785 (cited by Women's Health and Genetics/Laboratory Corporation of America, LabCorp).